The following is an entry in ClinVar:

ClinVar aggregate classification (germline): Uncertain significance (1 of 4 stars; one submission).

Conditions:
Cardiovascular phenotype. Identifiers: MedGen CN230736.

Allele frequency attached by ClinVar (database versions not stated): TOPMed below 0.00001; gnomAD 0.00001.
gnomAD v4.1: 5 of 1,529,630 alleles (0.00033%); highest among the groups gnomAD compares: Non-Finnish European, 0.00044%; no homozygotes.

Submission:

Ambry Genetics
Classification: Uncertain significance for Cardiovascular phenotype. Last evaluated: 2023-05-11. Review status: criteria provided, single submitter. Criteria: Ambry Variant Classification Scheme 2023. Collection method: clinical testing. Allele origin: germline.
Comment: The p.P44T variant (also known as c.130C>A), located in coding exon 1 of the BRAF gene, results from a C to A substitution at nucleotide position 130. The proline at codon 44 is replaced by threonine, an amino acid with highly similar properties. This amino acid position is conserved. In addition, the in silico prediction for this alteration is inconclusive. Since supporting evidence is limited at this time, the clinical significance of this alteration remains unclear.

NM_004333.6(BRAF):c.130C>A (p.Pro44Thr)

Gene: BRAF (B-Raf proto-oncogene, serine/threonine kinase; minus strand). Cytogenetic location: 7q34.
Variant type: single nucleotide variant.
Coding change: c.130C>A on transcript NM_004333.6 (MANE Select); coding-DNA position 130, C replaced by A.
Protein change: p.Pro44Thr; replaces proline 44 with threonine.
Molecular consequence: missense variant.
Genome position (GRCh38, 1-based): chr7:140,924,574, G>T on the plus strand (C>A on the coding strand, the complement: BRAF is on the minus strand). VCF-style: chr7-140924574-G-T. GRCh37 (hg19) VCF-style: chr7-140624374-G-T.
Other names: c.130C>A, p.Pro44Thr (NM_001354609.2, NM_001374244.1, NM_001374258.1 and 7 more transcripts); short protein forms P44T.
Identifiers: ClinVar variation 2566898 (VCV002566898.2), dbSNP rs1279627804, ClinGen allele CA369590043.